The following is an entry in ClinVar:

ClinVar aggregate classification (germline): Pathogenic (1 of 4 stars; one submission).

Submission:

Labcorp Genetics (formerly Invitae), Labcorp
Classification: Pathogenic. Last evaluated: 2023-05-29. Review status: criteria provided, single submitter. Criteria: Invitae Variant Classification Sherloc (09022015). Collection method: clinical testing. Allele origin: germline.
Comment: For these reasons, this variant has been classified as Pathogenic. This premature translational stop signal has been observed in individual(s) with nonsyndromic deafness (PMID: 20642360). This variant is not present in population databases (gnomAD no frequency). This sequence change creates a premature translational stop signal (p.Ser3335Alafs*121) in the MYO15A gene. It is expected to result in an absent or disrupted protein product. Loss-of-function variants in MYO15A are known to be pathogenic (PMID: 17546645).

Literature cited by the submitters: PubMed 20642360; PubMed 17546645.

NM_016239.4(MYO15A):c.9995_10002dup (p.Ser3335fs)

Gene: MYO15A (myosin XVA; plus strand). Cytogenetic location: 17p11.2.
Variant type: Duplication.
Coding change: c.9995_10002dup on transcript NM_016239.4 (MANE Select); coding-DNA positions 9995 to 10002, 8 bases duplicated (GCCGGCCC; older notation c.9995_10002dupGCCGGCCC).
Protein change: p.Ser3335fs; shifts the reading frame from serine 3335.
Molecular consequence: frameshift variant.
Genome position (GRCh38, 1-based): chr17:18,167,636-18,167,643, GCCGGCCC duplicated. VCF-style (leftmost placement, unchanged base first): chr17-18167635-A-AGCCGGCCC. GRCh37 (hg19) VCF-style: chr17-18070949-A-AGCCGGCCC.
Other names: short protein forms S3335fs.
Identifiers: ClinVar variation 2736480 (VCV002736480.3), dbSNP rs2545327639, ClinGen allele CA2695224509.